The following is an entry in ClinVar:

ClinVar aggregate classification (germline): Uncertain significance (1 of 4 stars; one submission).

Conditions:
Inborn genetic diseases. Identifiers: MedGen C0950123, MeSH D030342.

Submission:

Ambry Genetics
Classification: Uncertain significance for Inborn genetic diseases. Last evaluated: 2025-09-28. Review status: criteria provided, single submitter. Criteria: Ambry Variant Classification Scheme 2023. Collection method: clinical testing. Allele origin: germline.
Comment: The p.S458R variant (also known as c.1374C>G), located in coding exon 15 of the FANCA gene, results from a C to G substitution at nucleotide position 1374. The serine at codon 458 is replaced by arginine, an amino acid with dissimilar properties. This amino acid position is conserved. In addition, the in silico prediction for this alteration is inconclusive. Based on the available evidence, the clinical significance of this variant remains unclear.

NM_000135.4(FANCA):c.1374C>G (p.Ser458Arg)

Gene: FANCA (FA complementation group A; minus strand). Cytogenetic location: 16q24.3.
Variant type: single nucleotide variant.
Coding change: c.1374C>G on transcript NM_000135.4 (MANE Select); coding-DNA position 1374, C replaced by G.
Protein change: p.Ser458Arg; replaces serine 458 with arginine.
Molecular consequence: missense variant.
Genome position (GRCh38, 1-based): chr16:89,784,950, G>C on the plus strand (C>G on the coding strand, the complement: FANCA is on the minus strand). VCF-style: chr16-89784950-G-C. GRCh37 (hg19) VCF-style: chr16-89851358-G-C.
Other names: c.1374C>G, p.Ser458Arg (NM_001286167.3); short protein forms S458R.
Identifiers: ClinVar variation 4619174 (VCV004619174.1).